The following is an entry in ClinVar:

ClinVar aggregate classification (germline): Uncertain significance (1 of 4 stars; one submission).

Submission:

Labcorp Genetics (formerly Invitae), Labcorp
Classification: Uncertain significance. Last evaluated: 2024-01-22. Review status: criteria provided, single submitter. Criteria: Invitae Variant Classification Sherloc (09022015). Collection method: clinical testing. Allele origin: germline.
Comment: This sequence change falls in intron 29 of the CYFIP2 gene. It does not directly change the encoded amino acid sequence of the CYFIP2 protein. It affects a nucleotide within the consensus splice site. This variant is not present in population databases (gnomAD no frequency). This variant has not been reported in the literature in individuals affected with CYFIP2-related conditions. Variants that disrupt the consensus splice site are a relatively common cause of aberrant splicing (PMID: 17576681, 9536098). Algorithms developed to predict the effect of sequence changes on RNA splicing suggest that this variant may disrupt the consensus splice site. In summary, the available evidence is currently insufficient to determine the role of this variant in disease. Therefore, it has been classified as a Variant of Uncertain Significance.

Literature cited by the submitters: PubMed 17576681; PubMed 9536098.

NM_001037333.3(CYFIP2):c.3446+3_3446+6del

Genes: CYFIP2 (cytoplasmic FMR1 interacting protein 2; plus strand), NIPAL4-DT (NIPAL4 divergent transcript; minus strand). Cytogenetic location: 5q33.3.
Variant type: Microsatellite.
Coding change: c.3446+3_3446+6del on transcript NM_001037333.3 (MANE Select); bases 3 to 6 of the intron after coding-DNA position 3446, 4 bases deleted (GAGT; older notation c.3446+3_3446+6delGAGT).
Molecular consequence: splice donor variant.
Genome position (GRCh38, 1-based): chr5:157,389,430-157,389,433, GAGT deleted; deleting any 4 consecutive bases within chr5:157,389,425-157,389,433 gives the same sequence; the c. name uses the placement nearest the transcript's 3' end. VCF-style (leftmost placement, unchanged base first): chr5-157389424-CTGAG-C. GRCh37 (hg19) VCF-style: chr5-156816432-CTGAG-C.
Other names: c.3521+3_3521+6del (NM_001291722.2); c.3368+3_3368+6del (NM_001291721.2); c.3446+3_3446+6del (NM_014376.4).
Identifiers: ClinVar variation 2023481 (VCV002023481.4), dbSNP rs2532735335, ClinGen allele CA2580614787.